The following is an entry in ClinVar:

NM_013382.7(POMT2):c.924-2A>G

Gene: POMT2 (protein O-mannosyltransferase 2; minus strand). Cytogenetic location: 14q24.3.
Variant type: single nucleotide variant.
Coding change: c.924-2A>G on transcript NM_013382.7 (MANE Select); the canonical splice acceptor site of the intron before coding-DNA position 924, A replaced by G.
Molecular consequence: splice acceptor variant.
Genome position (GRCh38, 1-based): chr14:77,298,773, T>C on the plus strand (A>G on the coding strand, the complement: POMT2 is on the minus strand). VCF-style: chr14-77298773-T-C. GRCh37 (hg19) VCF-style: chr14-77765116-T-C.
Identifiers: ClinVar variation 289765 (VCV000289765.12), dbSNP rs886044256, ClinGen allele CA10606539.

ClinVar aggregate classification (germline): Pathogenic. Review status: criteria provided, multiple submitters, no conflicts (2 of 4 stars). 2 submissions from 2 submitters: Pathogenic (2). Last evaluated 2019-07-06.

Conditions:
Muscular dystrophy-dystroglycanopathy (congenital with brain and eye anomalies), type A2. Also called: WALKER-WARBURG SYNDROME OR MUSCLE-EYE-BRAIN DISEASE, POMT2-RELATED; MUSCULAR DYSTROPHY-DYSTROGLYCANOPATHY (CONGENITAL WITH BRAIN AND EYE ANOMALIES), TYPE A, 2. Identifiers: Orphanet 588, Orphanet 899, MedGen C3150411, MONDO:0013154, OMIM 613150.
Muscular dystrophy-dystroglycanopathy (congenital with impaired intellectual development), type B, 2. Also called: Muscular dystrophy-dystroglycanopathy (congenital with intellectual disability), type B2; MUSCULAR DYSTROPHY, CONGENITAL, POMT2-RELATED. Identifiers: MedGen C3150416, MONDO:0013160, OMIM 613156.
Autosomal recessive limb-girdle muscular dystrophy type 2N. Also called: MUSCULAR DYSTROPHY-DYSTROGLYCANOPATHY, LIMB-GIRDLE, POMT2-RELATED; Muscular dystrophy-dystroglycanopathy (limb-girdle), type C, 2. Identifiers: Orphanet 206559, MedGen C3150418, MONDO:0013162, OMIM 613158.

Allele frequency attached by ClinVar (database versions not stated): gnomAD below 0.00001 and 0.00001; gnomAD exomes below 0.00001.
gnomAD v4.1: 2 of 1,611,820 alleles (0.00012%); highest among the groups gnomAD compares: South Asian, 0.0011%; no homozygotes.

Submissions (2):

Labcorp Genetics (formerly Invitae), Labcorp
Classification: Pathogenic for Muscular dystrophy-dystroglycanopathy (congenital with impaired intellectual development), type B, 2; Muscular dystrophy-dystroglycanopathy (congenital with brain and eye anomalies), type A2; Autosomal recessive limb-girdle muscular dystrophy type 2N. Last evaluated: 2019-07-06. Review status: criteria provided, single submitter. Criteria: Invitae Variant Classification Sherloc (09022015). Collection method: clinical testing. Allele origin: germline.
Comment: For these reasons, this variant has been classified as Pathogenic. Donor and acceptor splice site variants typically lead to a loss of protein function (PMID: 16199547), and loss-of-function variants in POMT2 are known to be pathogenic (PMID: 15894594). Experimental studies have shown that this variant disrupts mRNA splicing (PMID: 17559086). Disruption of this splice site has been observed in several individuals affected with muscular dystrophy-dystroglycanopathy (PMID: 17559086, 18752264, 26495167). ClinVar contains an entry for this variant (Variation ID: 289765). This variant is not present in population databases (ExAC no frequency). This sequence change affects an acceptor splice site in intron 7 of the POMT2 gene. It is expected to disrupt RNA splicing and likely results in an absent or disrupted protein product.

Eurofins Ntd Llc (ga)
Classification: Pathogenic. Last evaluated: 2016-08-03. Review status: criteria provided, single submitter. Criteria: EGL Classification Definitions 2015. Collection method: clinical testing. Allele origin: germline. Observed: 1 variant allele, 1 heterozygote.

Literature cited by the submitters: PubMed 16199547 (cited by Labcorp Genetics (formerly Invitae), Labcorp); PubMed 15894594 (cited by Labcorp Genetics (formerly Invitae), Labcorp); PubMed 17559086 (cited by Labcorp Genetics (formerly Invitae), Labcorp and Eurofins Ntd Llc (ga)); PubMed 18752264 (cited by Labcorp Genetics (formerly Invitae), Labcorp); PubMed 26495167 (cited by Labcorp Genetics (formerly Invitae), Labcorp).